The following is an entry in ClinVar:

NM_001040108.2(MLH3):c.2962A>G (p.Ile988Val)

Gene: MLH3 (mutL homolog 3; minus strand). Cytogenetic location: 14q24.3.
Variant type: single nucleotide variant.
Coding change: c.2962A>G on transcript NM_001040108.2 (MANE Select); coding-DNA position 2962, A replaced by G.
Protein change: p.Ile988Val; replaces isoleucine 988 with valine.
Molecular consequence: missense variant.
Genome position (GRCh38, 1-based): chr14:75,046,694, T>C on the plus strand (A>G on the coding strand, the complement: MLH3 is on the minus strand). VCF-style: chr14-75046694-T-C. GRCh37 (hg19) VCF-style: chr14-75513397-T-C.
Other names: c.2962A>G, p.Ile988Val (NM_014381.3); short protein forms I988V.
Identifiers: ClinVar variation 2138900 (VCV002138900.4), dbSNP rs1192941281, ClinGen allele CA390437209.

ClinVar aggregate classification (germline): Uncertain significance (1 of 4 stars; one submission).

Conditions:
Colorectal cancer, hereditary nonpolyposis, type 7. Identifiers: Orphanet 144, MedGen C1858380, MONDO:0013725, OMIM 614385.

Allele frequency attached by ClinVar (database versions not stated): gnomAD exomes below 0.00001.
gnomAD v4.1: 3 of 1,614,246 alleles (0.00019%); highest among the groups gnomAD compares: Non-Finnish European, 0.00025%; no homozygotes.

Submission:

Labcorp Genetics (formerly Invitae), Labcorp
Classification: Uncertain significance for Colorectal cancer, hereditary nonpolyposis, type 7. Last evaluated: 2022-01-31. Review status: criteria provided, single submitter. Criteria: Invitae Variant Classification Sherloc (09022015). Collection method: clinical testing. Allele origin: germline.
Comment: This sequence change replaces isoleucine, which is neutral and non-polar, with valine, which is neutral and non-polar, at codon 988 of the MLH3 protein (p.Ile988Val). This variant is present in population databases (no rsID available, gnomAD 0.0009%). This variant has not been reported in the literature in individuals affected with MLH3-related conditions. Algorithms developed to predict the effect of missense changes on protein structure and function (SIFT, PolyPhen-2, Align-GVGD) all suggest that this variant is likely to be tolerated. In summary, the available evidence is currently insufficient to determine the role of this variant in disease. Therefore, it has been classified as a Variant of Uncertain Significance.